The following is an entry in ClinVar:

ClinVar aggregate classification (germline): Uncertain significance (1 of 4 stars; one submission).

Conditions:
Disseminated atypical mycobacterial infection. Identifiers: MedGen C0694566.

Submission:

Labcorp Genetics (formerly Invitae), Labcorp
Classification: Uncertain significance for Disseminated atypical mycobacterial infection. Last evaluated: 2021-04-16. Review status: criteria provided, single submitter. Criteria: Invitae Variant Classification Sherloc (09022015). Collection method: clinical testing. Allele origin: germline.
Comment: Algorithms developed to predict the effect of missense changes on protein structure and function output the following: SIFT: "Tolerated"; PolyPhen-2: "Benign"; Align-GVGD: "Class C0". The leucine amino acid residue is found in multiple mammalian species, suggesting that this missense change does not adversely affect protein function. These predictions have not been confirmed by published functional studies and their clinical significance is uncertain. In summary, the available evidence is currently insufficient to determine the role of this variant in disease. Therefore, it has been classified as a Variant of Uncertain Significance. This variant has not been reported in the literature in individuals with IFNGR1-related conditions. This variant is not present in population databases (ExAC no frequency). This sequence change replaces histidine with leucine at codon 90 of the IFNGR1 protein (p.His90Leu). The histidine residue is weakly conserved and there is a moderate physicochemical difference between histidine and leucine.

NM_000416.3(IFNGR1):c.269A>T (p.His90Leu)

Gene: IFNGR1 (interferon gamma receptor 1; minus strand). Cytogenetic location: 6q23.3.
Variant type: single nucleotide variant.
Coding change: c.269A>T on transcript NM_000416.3 (MANE Select); coding-DNA position 269, A replaced by T.
Protein change: p.His90Leu; replaces histidine 90 with leucine.
Molecular consequence: missense variant.
Genome position (GRCh38, 1-based): chr6:137,206,240, T>A on the plus strand (A>T on the coding strand, the complement: IFNGR1 is on the minus strand). VCF-style: chr6-137206240-T-A. GRCh37 (hg19) VCF-style: chr6-137527377-T-A.
Other names: c.239A>T, p.His80Leu (NM_001363526.1); c.146A>T, p.His49Leu (NM_001363527.1); short protein forms H80L, H49L, H90L.
Identifiers: ClinVar variation 1350998 (VCV001350998.8), dbSNP rs2114487139, ClinGen allele CA365775812.